The following is an entry in ClinVar:

NM_000093.5(COL5A1):c.2485-34_2485-33insGGCA

Gene: COL5A1 (collagen type V alpha 1 chain; plus strand). Cytogenetic location: 9q34.3.
Variant type: Insertion.
Coding change: c.2485-34_2485-33insGGCA on transcript NM_000093.5 (MANE Select); 34 bases into the intron before coding-DNA position 2485 through 33 bases into the intron before coding-DNA position 2485, GGCA inserted.
Molecular consequence: intron variant.
Genome position: GRCh38 VCF-style: chr9-134784955-G-GGGCA. GRCh37 (hg19) VCF-style: chr9-137676801-G-GGGCA.
Other names: c.2485-34_2485-33insGGCA (NM_001278074.1).
Identifiers: ClinVar variation 674678 (VCV000674678.1), dbSNP rs376936600, ClinGen allele CA5319411.

ClinVar aggregate classification (germline): Benign (1 of 4 stars; one submission).

Submission:

GeneDx
Classification: Benign. Last evaluated: 2018-06-14. Review status: criteria provided, single submitter. Criteria: GeneDx Variant Classification (06012015). Collection method: clinical testing. Allele origin: germline. Affected: yes.
Comment: This variant is considered likely benign or benign based on one or more of the following criteria: it is a conservative change, it occurs at a poorly conserved position in the protein, it is predicted to be benign by multiple in silico algorithms, and/or has population frequency not consistent with disease.